The following is an entry in ClinVar:

NM_001242896.3(DEPDC5):c.14A>G (p.Lys5Arg)

Gene: DEPDC5 (DEP domain containing 5, GATOR1 subcomplex subunit; plus strand). Cytogenetic location: 22q12.2.
Variant type: single nucleotide variant.
Coding change: c.14A>G on transcript NM_001242896.3 (MANE Select); coding-DNA position 14, A replaced by G.
Protein change: p.Lys5Arg; replaces lysine 5 with arginine.
Molecular consequence: missense variant. On other transcripts: non-coding transcript variant (5).
Genome position (GRCh38, 1-based): chr22:31,754,935, A>G. VCF-style: chr22-31754935-A-G. GRCh37 (hg19) VCF-style: chr22-32150921-A-G.
Other names: c.14A>G (NM_001242896.1); c.14A>G, p.Lys5Arg (NM_001007188.4, NM_001136029.4, NM_001242897.2 and 9 more transcripts); short protein forms K5R.
Identifiers: ClinVar variation 2162594 (VCV002162594.5), dbSNP rs372506941, ClinGen allele CA10195779.

ClinVar aggregate classification (germline): Uncertain significance. Review status: criteria provided, multiple submitters, no conflicts (2 of 4 stars). 2 submissions from 2 submitters: Uncertain significance (2). Last evaluated 2024-08-20.

Conditions:
Familial focal epilepsy with variable foci (FPEVF). Identifiers: Orphanet 98820, MedGen C1858477, MONDO:0020310.

Allele frequency attached by ClinVar (database versions not stated): gnomAD exomes below 0.00001; ExAC 0.00001; gnomAD 0.00001; TOPMed 0.00002; ESP Exome Variant Server 0.00008.
gnomAD v4.1: 4 of 1,614,106 alleles (0.00025%); highest among the groups gnomAD compares: African/African-American, 0.0053%; no homozygotes.

Submissions (2):

GeneDx
Classification: Uncertain significance. Last evaluated: 2024-08-20. Review status: criteria provided, single submitter. Criteria: GeneDx Variant Classification Process June 2021. Collection method: clinical testing. Allele origin: germline. Affected: yes.
Comment: In silico analysis supports that this missense variant has a deleterious effect on protein structure/function; Has not been previously published as pathogenic or benign to our knowledge

Labcorp Genetics (formerly Invitae), Labcorp
Classification: Uncertain significance for Familial focal epilepsy with variable foci. Last evaluated: 2024-05-08. Review status: criteria provided, single submitter. Criteria: Invitae Variant Classification Sherloc (09022015). Collection method: clinical testing. Allele origin: germline.
Comment: This sequence change replaces lysine, which is basic and polar, with arginine, which is basic and polar, at codon 5 of the DEPDC5 protein (p.Lys5Arg). This variant is present in population databases (rs372506941, gnomAD 0.007%). This variant has not been reported in the literature in individuals affected with DEPDC5-related conditions. ClinVar contains an entry for this variant (Variation ID: 2162594). Experimental studies and prediction algorithms are not available or were not evaluated, and the functional significance of this variant is currently unknown. In summary, the available evidence is currently insufficient to determine the role of this variant in disease. Therefore, it has been classified as a Variant of Uncertain Significance.